The following is an entry in ClinVar:

ClinVar aggregate classification (germline): Uncertain significance (1 of 4 stars; one submission).

Submission:

Women's Health and Genetics/Laboratory Corporation of America, LabCorp
Classification: Uncertain significance. Last evaluated: 2025-10-01. Review status: criteria provided, single submitter. Criteria: LabCorp Variant Classification Summary - May 2015. Collection method: clinical testing. Allele origin: germline.
Comment: Variant summary: ADAR c.3315+3G>C alters a conserved nucleotide located close to a canonical splice site and therefore could affect mRNA splicing, leading to a significantly altered protein sequence. Consensus agreement among computation tools predict no significant impact on normal splicing. However, these predictions have yet to be confirmed by functional studies. The variant was absent in 251032 control chromosomes. The available data on variant occurrences in the general population are insufficient to allow any conclusion about variant significance. To our knowledge, no occurrence of c.3315+3G>C in individuals affected with ADAR-related conditions and no experimental evidence demonstrating its impact on protein function have been reported. No submitters have cited clinical-significance assessments for this variant to ClinVar. Based on the evidence outlined above, the variant was classified as uncertain significance.

NM_001111.5(ADAR):c.3315+3G>C

Gene: ADAR (adenosine deaminase RNA specific; minus strand). Cytogenetic location: 1q21.3.
Variant type: single nucleotide variant.
Coding change: c.3315+3G>C on transcript NM_001111.5 (MANE Select); 3 bases into the intron after coding-DNA position 3315, G replaced by C.
Molecular consequence: intron variant.
Genome position (GRCh38, 1-based): chr1:154,585,750, C>G on the plus strand (G>C on the coding strand, the complement: ADAR is on the minus strand). VCF-style: chr1-154585750-C-G. GRCh37 (hg19) VCF-style: chr1-154558226-C-G.
Other names: c.2430+3G>C (NM_001365046.1, NM_001025107.3, NM_001365048.1 and 2 more transcripts); c.3342+3G>C (NM_001365045.1); c.2352+3G>C (NM_001365049.1); c.3180+3G>C (NM_015841.4); c.3237+3G>C (NM_015840.4).
Identifiers: ClinVar variation 4687619 (VCV004687619.1).